The following is an entry in ClinVar:

NM_001376.5(DYNC1H1):c.1352G>A (p.Arg451His)

Gene: DYNC1H1 (dynein cytoplasmic 1 heavy chain 1; plus strand). Cytogenetic location: 14q32.31.
Variant type: single nucleotide variant.
Coding change: c.1352G>A on transcript NM_001376.5 (MANE Select); coding-DNA position 1352, G replaced by A.
Protein change: p.Arg451His; replaces arginine 451 with histidine.
Molecular consequence: missense variant.
Genome position (GRCh38, 1-based): chr14:101,983,500, G>A. VCF-style: chr14-101983500-G-A. GRCh37 (hg19) VCF-style: chr14-102449837-G-A.
Other names: short protein forms R451H.
Identifiers: ClinVar variation 2664972 (VCV002664972.2), dbSNP rs2047891803, ClinGen allele CA391015477.

ClinVar aggregate classification (germline): Uncertain significance (1 of 4 stars; one submission).

Conditions:
Cortical dysplasia, complex, with other brain malformations 13. Also called: Intellectual disability, autosomal dominant 13. Identifiers: MedGen C3281202, MONDO:0013805, OMIM 614563.

Allele frequency attached by ClinVar (database versions not stated): TOPMed below 0.00001.

Submission:

Institute of Human Genetics, University of Leipzig Medical Center
Classification: Uncertain significance for Cortical dysplasia, complex, with other brain malformations 13. Last evaluated: 2023-11-15. Review status: criteria provided, single submitter. Criteria: ACMG Guidelines, 2015. Collection method: clinical testing. Allele origin: unknown. Inheritance: Autosomal dominant inheritance. Affected: yes.
Comment: Criteria applied: PM2_SUP,PM5_SUP,PP2